The following is an entry in ClinVar:

ClinVar aggregate classification (germline): Pathogenic (1 of 4 stars; one submission).

Conditions:
BAP1-related tumor predisposition syndrome (TPDS1). Also called: Tumor susceptibility linked to germline BAP1 mutations; BAP1 tumor predisposition syndrome; TUMOR PREDISPOSITION SYNDROME 1; COMMON Syndrome. Identifiers: Orphanet 289539, MedGen C3280492, MONDO:0013692, OMIM 614327.

Submission:

Labcorp Genetics (formerly Invitae), Labcorp
Classification: Pathogenic for BAP1-related tumor predisposition syndrome. Last evaluated: 2021-05-28. Review status: criteria provided, single submitter. Criteria: Invitae Variant Classification Sherloc (09022015). Collection method: clinical testing. Allele origin: germline.
Comment: For these reasons, this variant has been classified as Pathogenic. This variant has not been reported in the literature in individuals with BAP1-related conditions. This variant is not present in population databases (ExAC no frequency). This sequence change creates a premature translational stop signal (p.His84Thrfs*3) in the BAP1 gene. It is expected to result in an absent or disrupted protein product. Loss-of-function variants in BAP1 are known to be pathogenic (PMID: 21874000, 23684012).

Literature cited by the submitters: PubMed 21874000; PubMed 23684012.

NM_004656.4(BAP1):c.250del (p.His84fs)

Gene: BAP1 (BRCA1 associated deubiquitinase 1; minus strand). Cytogenetic location: 3p21.1.
Variant type: Deletion.
Coding change: c.250del on transcript NM_004656.4 (MANE Select); coding-DNA position 250, one base deleted (C; older notation c.250delC).
Protein change: p.His84fs; shifts the reading frame from histidine 84.
Molecular consequence: frameshift variant.
Genome position (GRCh38, 1-based): chr3:52,408,479, G deleted on the plus strand (C on the coding strand, the reverse complement: BAP1 is on the minus strand); the first of 3 consecutive G bases (chr3:52,408,479-52,408,481); deleting any one gives the same sequence. VCF-style (leftmost placement, unchanged base first): chr3-52408478-TG-T. GRCh37 (hg19) VCF-style: chr3-52442494-TG-T.
Other names: short protein forms H84fs.
Identifiers: ClinVar variation 1456825 (VCV001456825.6), dbSNP rs2153228278, ClinGen allele CA2573137284.